The following is an entry in ClinVar:

ClinVar aggregate classification (germline): Uncertain significance. Review status: criteria provided, multiple submitters, no conflicts (2 of 4 stars). 2 submissions from 2 submitters: Uncertain significance (2). Last evaluated 2024-12-27.

Conditions:
Atypical hemolytic-uremic syndrome with thrombomodulin anomaly. Also called: HEMOLYTIC UREMIC SYNDROME, ATYPICAL, SUSCEPTIBILITY TO, 6; AHUS, SUSCEPTIBILITY TO, 6. Identifiers: MedGen C2752036, MONDO:0013044, OMIM 612926. Disease mechanism: gain of function.
Thrombomodulin-related bleeding disorder (THPH12). Also called: Thrombophilia due to thrombomodulin defect. Identifiers: Orphanet 436169, MedGen C3280976, MONDO:0013775, OMIM 614486.

Submissions (2):

Labcorp Genetics (formerly Invitae), Labcorp
Classification: Uncertain significance. Last evaluated: 2024-12-27. Review status: criteria provided, single submitter. Criteria: Invitae Variant Classification Sherloc (09022015). Collection method: clinical testing. Allele origin: germline.
Comment: This sequence change replaces cysteine, which is neutral and slightly polar, with serine, which is neutral and polar, at codon 369 of the THBD protein (p.Cys369Ser). This variant is not present in population databases (gnomAD no frequency). This variant has not been reported in the literature in individuals affected with THBD-related conditions. Invitae Evidence Modeling of protein sequence and biophysical properties (such as structural, functional, and spatial information, amino acid conservation, physicochemical variation, residue mobility, and thermodynamic stability) indicates that this missense variant is expected to disrupt THBD protein function with a positive predictive value of 80%. In summary, the available evidence is currently insufficient to determine the role of this variant in disease. Therefore, it has been classified as a Variant of Uncertain Significance.

Fulgent Genetics
Classification: Uncertain significance for Atypical hemolytic-uremic syndrome with thrombomodulin anomaly; Thrombomodulin-related bleeding disorder. Last evaluated: 2024-03-25. Review status: criteria provided, single submitter. Criteria: ACMG Guidelines, 2015. Collection method: clinical testing. Allele origin: germline.

NM_000361.3(THBD):c.1105T>A (p.Cys369Ser)

Gene: THBD (thrombomodulin; minus strand). Cytogenetic location: 20p11.21.
Variant type: single nucleotide variant.
Coding change: c.1105T>A on transcript NM_000361.3 (MANE Select); coding-DNA position 1105, T replaced by A.
Protein change: p.Cys369Ser; replaces cysteine 369 with serine.
Molecular consequence: missense variant.
Genome position (GRCh38, 1-based): chr20:23,048,400, A>T on the plus strand (T>A on the coding strand, the complement: THBD is on the minus strand). VCF-style: chr20-23048400-A-T. GRCh37 (hg19) VCF-style: chr20-23029037-A-T.
Other names: short protein forms C369S.
Identifiers: ClinVar variation 3587116 (VCV003587116.3).